The following is an entry in ClinVar:

NM_000218.3(KCNQ1):c.1451G>C (p.Ser484Thr)

Genes: KCNQ1 (potassium voltage-gated channel subfamily Q member 1; plus strand), KCNQ1OT1 (KCNQ1 opposite strand/antisense transcript 1; minus strand). Cytogenetic location: 11p15.5.
Variant type: single nucleotide variant.
Coding change: c.1451G>C on transcript NM_000218.3 (MANE Select); coding-DNA position 1451, G replaced by C.
Protein change: p.Ser484Thr; replaces serine 484 with threonine.
Molecular consequence: missense variant.
Genome position (GRCh38, 1-based): chr11:2,662,018, G>C. VCF-style: chr11-2662018-G-C. GRCh37 (hg19) VCF-style: chr11-2683248-G-C.
Other names: c.1451G>C (LRG_287t1); c.1355G>C, p.Ser452Thr (NM_001406836.1); c.1181G>C, p.Ser394Thr (NM_001406837.1); c.911G>C, p.Ser304Thr (NM_001406838.1); c.1070G>C, p.Ser357Thr (NM_181798.2); short protein forms S484T, S357T, S394T, S452T, S304T.
Identifiers: ClinVar variation 67033 (VCV000067033.3), dbSNP rs199473477, ClinGen allele CA005774.
Genomic context (GRCh38, chr11:2,662,018, plus strand): 5'-CAGTAAGGAAGAGCCCAACACTGCTGGAAGTGAGCATGCCCCATTTCATGAGAACCAACA[G>C]CTTCGCCGAGGACCTGGACCTGGAAGGGGAGACTCTGCTGACACCCATCACCCACATCTC-3'
Protein context (NP_000209.2, residues 474-494): VSMPHFMRTN[Ser484Thr]FAEDLDLEGE

ClinVar aggregate classification (germline): not provided (0 of 4 stars; one submission).

Allele frequency attached by ClinVar (database versions not stated): gnomAD exomes below 0.00001.
gnomAD v4.1: 1 of 1,614,238 alleles (0.000062%); highest among the groups gnomAD compares: Non-Finnish European, 0.000085%; no homozygotes.

Submission:

Cardiovascular Biomedical Research Unit, Royal Brompton & Harefield NHS Foundation Trust
No classification provided. Review status: no classification provided. Collection method: literature only. Allele origin: germline.
Comment: This variant has been reported in the following publications (PMID:15599693).

Literature cited by the submitters: PubMed 15599693; PubMed 22581653.